The following is an entry in ClinVar:

NM_000603.5(NOS3):c.3324G>C (p.Arg1108=)

Genes: ATG9B (autophagy related 9B; minus strand), NOS3 (nitric oxide synthase 3; plus strand). Cytogenetic location: 7q36.1.
Variant type: single nucleotide variant.
Coding change: c.3324G>C on transcript NM_000603.5 (MANE Select); coding-DNA position 3324, G replaced by C.
Protein change: p.Arg1108=; no amino-acid change (arginine 1108 retained).
Molecular consequence: synonymous variant. On other transcripts: non-coding transcript variant (2).
Genome position (GRCh38, 1-based): chr7:151,013,792, G>C. VCF-style: chr7-151013792-G-C. GRCh37 (hg19) VCF-style: chr7-150710880-G-C.
Identifiers: ClinVar variation 709432 (VCV000709432.28), dbSNP rs144040397, ClinGen allele CA4567669.

ClinVar aggregate classification (germline): Benign/Likely benign. Review status: criteria provided, multiple submitters, no conflicts (2 of 4 stars). 2 submissions from 2 submitters: Benign (1); Likely benign (1). Last evaluated 2024-01-01.

Allele frequency attached by ClinVar (database versions not stated): TOPMed 0.00147; gnomAD 0.00177 and 0.00186; 1000 Genomes Project 0.00180; 1000 Genomes Project 30x 0.00187; ESP Exome Variant Server 0.00200; ExAC 0.00269.
gnomAD v4.1: 2,763 of 1,611,238 alleles (0.17%); highest among the groups gnomAD compares: South Asian, 0.48%; 20 homozygotes.

Submissions (2):

CeGaT Center for Human Genetics Tuebingen
Classification: Likely benign. Last evaluated: 2024-01-01. Review status: criteria provided, single submitter. Criteria: CeGaT Center For Human Genetics Tuebingen Variant Classification Criteria Version 2. Collection method: clinical testing. Allele origin: germline. Affected: yes. Observed: 2 variant alleles.
Comment: NOS3: BP4, BP7, BS2

Labcorp Genetics (formerly Invitae), Labcorp
Classification: Benign. Last evaluated: 2019-12-31. Review status: criteria provided, single submitter. Criteria: Invitae Variant Classification Sherloc (09022015). Collection method: clinical testing. Allele origin: germline.